The following is an entry in ClinVar:

NC_000003.12:g.(?_81490387)_(81705633_?)del

Genes: GBE1 (1,4-alpha-glucan branching enzyme 1; minus strand), LOC129937076 (ATAC-STARR-seq lymphoblastoid silent region 14538; plus strand). Cytogenetic location: 3p12.2.
Variant type: Deletion.
Identifiers: ClinVar variation 584104 (VCV000584104.2).

ClinVar aggregate classification (germline): Likely pathogenic (1 of 4 stars; one submission).

Conditions:
Glycogen storage disease IV, classic hepatic. Also called: GSD IV, CLASSIC HEPATIC. Identifiers: MedGen C1856301.
Glycogen storage disease, type IV (GSD4). Also called: Glycogen storage disease due to glycogen branching enzyme deficiency; AMYLOPECTINOSIS; ANDERSEN DISEASE; BRANCHER DEFICIENCY; CIRRHOSIS, FAMILIAL, WITH DEPOSITION OF ABNORMAL GLYCOGEN; GBE1 DEFICIENCY. Identifiers: Orphanet 367, MedGen C0017923, MONDO:0009292, OMIM 232500.

Submission:

Labcorp Genetics (formerly Invitae), Labcorp
Classification: Likely pathogenic for Glycogen storage disease, type IV; Glycogen storage disease IV, classic hepatic. Last evaluated: 2018-12-31. Review status: criteria provided, single submitter. Criteria: Invitae Variant Classification Sherloc (09022015). Collection method: clinical testing. Allele origin: germline.
Comment: This variant is a gross deletion of the genomic region encompassing exons 2-16 of the GBE1 gene. The 5' boundary is likely confined to intron 1. The 3' end of this event is unknown as it extends through the termination codon beyond the assayed region for this gene and may encompass additional genes. While this deletion is not anticipated to result in nonsense mediated decay, it is expected to create a truncated protein product or disrupt mRNA translation. This variant has not been reported in the literature in individuals with GBE1-related disease. Two missense substitutions (p.Tyr329Cys and p.Tyr329Ser) have been determined to be pathogenic (PMID: 23034915, 8613547, 25665141, 26199317, 26385640). This suggests that the tyrosine residue is critical for GBE1 protein function and that deletion of this region may also be pathogenic. In summary, the currently available evidence indicates that the variant is pathogenic, but additional data are needed to prove that conclusively. Therefore, this variant has been classified as Likely Pathogenic.

Literature cited by the submitters: PubMed 25665141; PubMed 26385640; PubMed 23034915; PubMed 26199317; PubMed 8613547.